The following is an entry in ClinVar:

NM_006514.4(SCN10A):c.3942C>T (p.Thr1314=)

Gene: SCN10A (sodium voltage-gated channel alpha subunit 10; minus strand). Cytogenetic location: 3p22.2.
Variant type: single nucleotide variant.
Coding change: c.3942C>T on transcript NM_006514.4 (MANE Select); coding-DNA position 3942, C replaced by T.
Protein change: p.Thr1314=; no amino-acid change (threonine 1314 retained).
Molecular consequence: synonymous variant.
Genome position (GRCh38, 1-based): chr3:38,712,308, G>A on the plus strand (C>T on the coding strand, the complement: SCN10A is on the minus strand). VCF-style: chr3-38712308-G-A. GRCh37 (hg19) VCF-style: chr3-38753799-G-A.
Other names: c.3939C>T, p.Thr1313= (NM_001293306.2); c.3648C>T, p.Thr1216= (NM_001293307.2); c.3942C>T (NM_006514.2).
Identifiers: ClinVar variation 757059 (VCV000757059.9), dbSNP rs760702095, ClinGen allele CA2320069.

ClinVar aggregate classification (germline): Conflicting classifications of pathogenicity. Review status: criteria provided, conflicting classifications (1 of 4 stars). 2 submissions from 2 submitters: Uncertain significance (1); Likely benign (1). Last evaluated 2023-05-05.

Conditions:
Brugada syndrome. Also called: Sudden unexpected nocturnal death syndrome; Sudden unexplained nocturnal death syndrome; Sudden Unexplained Death Syndrome; Sudden Unexplained Nocturnal Death Syndrome (SUNDS). Identifiers: Orphanet 130, MedGen C1142166, MONDO:0015263.
Cardiovascular phenotype. Identifiers: MedGen CN230736.

Allele frequency attached by ClinVar (database versions not stated): gnomAD 0.00001; TOPMed 0.00003; ExAC 0.00004.
gnomAD v4.1: 18 of 1,614,046 alleles (0.0011%); highest among the groups gnomAD compares: South Asian, 0.0055%; no homozygotes.

Submissions (2):

Ambry Genetics
Classification: Uncertain significance for Cardiovascular phenotype. Last evaluated: 2023-05-05. Review status: criteria provided, single submitter. Criteria: Ambry Variant Classification Scheme 2023. Collection method: clinical testing. Allele origin: germline.
Comment: The c.3942C>T variant (also known as p.T1314T), located in coding exon 22 of the SCN10A gene, results from a C to T substitution at nucleotide position 3942. This nucleotide substitution does not change the threonine at codon 1314. This nucleotide position is not well conserved in available vertebrate species. In silico splice site analysis for this alteration is inconclusive. The evidence for this gene-disease relationship is limited; therefore, the clinical significance of this alteration is unclear.

Labcorp Genetics (formerly Invitae), Labcorp
Classification: Likely benign for Brugada syndrome. Last evaluated: 2018-03-28. Review status: criteria provided, single submitter. Criteria: Invitae Variant Classification Sherloc (09022015). Collection method: clinical testing. Allele origin: germline.